The following is an entry in ClinVar:

NM_032790.4(ORAI1):c.888C>T (p.Pro296=)

Gene: ORAI1 (ORAI calcium release-activated calcium modulator 1; plus strand). Cytogenetic location: 12q24.31.
Variant type: single nucleotide variant.
Coding change: c.888C>T on transcript NM_032790.4 (MANE Select); coding-DNA position 888, C replaced by T.
Protein change: p.Pro296=; no amino-acid change (proline 296 retained).
Genome position (GRCh38, 1-based): chr12:121,641,625, C>T. VCF-style: chr12-121641625-C-T. GRCh37 (hg19) VCF-style: chr12-122079531-C-T.
Identifiers: ClinVar variation 753715 (VCV000753715.32), dbSNP rs782446947, ClinGen allele CA6837587.

ClinVar aggregate classification (germline): Likely benign. Review status: criteria provided, multiple submitters, no conflicts (2 of 4 stars). 2 submissions from 2 submitters: Likely benign (2). Last evaluated 2025-08-12.

Conditions:
Myopathy, tubular aggregate, 2 (TAM2). Identifiers: MedGen C4014557, MONDO:0014383, OMIM 615883.
Combined immunodeficiency due to ORAI1 deficiency. Also called: IMMUNODEFICIENCY 9. Identifiers: Orphanet 169090, Orphanet 317428, MedGen C2748568, MONDO:0013007, OMIM 612782.

Allele frequency attached by ClinVar (database versions not stated): TOPMed 0.00003; ExAC 0.00004.

Submissions (2):

Labcorp Genetics (formerly Invitae), Labcorp
Classification: Likely benign for Myopathy, tubular aggregate, 2; Combined immunodeficiency due to ORAI1 deficiency. Last evaluated: 2025-08-12. Review status: criteria provided, single submitter. Criteria: Invitae Variant Classification Sherloc (09022015). Collection method: clinical testing. Allele origin: germline.

CeGaT Center for Human Genetics Tuebingen
Classification: Likely benign. Last evaluated: 2022-07-01. Review status: criteria provided, single submitter. Criteria: CeGaT Center For Human Genetics Tuebingen Variant Classification Criteria Version 2. Collection method: clinical testing. Allele origin: germline. Affected: yes. Observed: 1 variant allele.
Comment: ORAI1: BP4, BP7